The following is an entry in ClinVar:

NM_198253.3(TERT):c.2768C>T (p.Pro923Leu)

Gene: TERT (telomerase reverse transcriptase; minus strand). Cytogenetic location: 5p15.33.
Variant type: single nucleotide variant.
Coding change: c.2768C>T on transcript NM_198253.3 (MANE Select); coding-DNA position 2768, C replaced by T.
Protein change: p.Pro923Leu; replaces proline 923 with leucine.
Molecular consequence: missense variant. On other transcripts: intron variant (1).
Genome position (GRCh38, 1-based): chr5:1,264,479, G>A on the plus strand (C>T on the coding strand, the complement: TERT is on the minus strand). VCF-style: chr5-1264479-G-A. GRCh37 (hg19) VCF-style: chr5-1264594-G-A.
Other names: c.2654+1985C>T (NM_001193376.3); short protein forms P923L.
Identifiers: ClinVar variation 36950 (VCV000036950.24), dbSNP rs387907251, ClinGen allele CA129988.

ClinVar aggregate classification (germline): Conflicting classifications of pathogenicity. Review status: criteria provided, conflicting classifications (1 of 4 stars). 6 submissions from 6 submitters: Likely pathogenic (2); Uncertain significance (3). 1 of the submissions does not count toward it. Last evaluated 2025-10-23.

Conditions:
Dyskeratosis congenita, autosomal dominant 2. Identifiers: MedGen C3151443, MONDO:0013521, OMIM 613989.
Idiopathic Pulmonary Fibrosis. Also called: Idiopathic fibrosing alveolitis, chronic form; idiopathic fibrosing alveolitis. Identifiers: Orphanet 2032, MedGen C1800706, MeSH D054990, MONDO:0800504.
Pulmonary fibrosis and/or bone marrow failure, Telomere-related, 1. Also called: PULMONARY FIBROSIS AND/OR BONE MARROW FAILURE SYNDROME, TELOMERE-RELATED, 1. Identifiers: Orphanet 88, MedGen C3553617, MONDO:0013878, OMIM 614742.
Dyskeratosis congenita. Identifiers: Orphanet 1775, MedGen C0265965, MONDO:0015780.

Allele frequency attached by ClinVar (database versions not stated): gnomAD exomes below 0.00001.
gnomAD v4.1: 1 of 1,613,880 alleles (0.000062%); highest among the groups gnomAD compares: African/African-American, 0.0013%; no homozygotes.

Submissions (6):

Labcorp Genetics (formerly Invitae), Labcorp
Classification: Uncertain significance for Dyskeratosis congenita, autosomal dominant 2; Idiopathic Pulmonary Fibrosis. Last evaluated: 2025-10-23. Review status: criteria provided, single submitter. Criteria: Invitae Variant Classification Sherloc (09022015). Collection method: clinical testing. Allele origin: germline.
Comment: This sequence change replaces proline, which is neutral and non-polar, with leucine, which is neutral and non-polar, at codon 923 of the TERT protein (p.Pro923Leu). This variant is present in population databases (rs387907251, gnomAD 0.007%). This missense change has been observed in individual(s) with TERT-related conditions (PMID: 22512499, 29976374, 35083318, 37665761). ClinVar contains an entry for this variant (Variation ID: 36950). Invitae Evidence Modeling of protein sequence and biophysical properties (such as structural, functional, and spatial information, amino acid conservation, physicochemical variation, residue mobility, and thermodynamic stability) indicates that this missense variant is expected to disrupt TERT protein function with a positive predictive value of 95%. In summary, the available evidence is currently insufficient to determine the role of this variant in disease. Therefore, it has been classified as a Variant of Uncertain Significance.

Ambry Genetics
Classification: Likely pathogenic for Dyskeratosis congenita. Last evaluated: 2025-10-02. Review status: criteria provided, single submitter. Criteria: Ambry Variant Classification Scheme 2023. Collection method: clinical testing. Allele origin: germline.
Comment: The p.P923L variant (also known as c.2768C>T), located in coding exon 11 of the TERT gene, results from a C to T substitution at nucleotide position 2768. The proline at codon 923 is replaced by leucine, an amino acid with similar properties. This variant was reported in individuals with features consistent with TERT-related disorder (Gansner JM et al. N. Engl. J. Med., 2012 Apr;366:1551-3; George G et al. Chest, 2015 Jun;147:1549-1557; Ferrer A et al. Blood Cancer J, 2020 Nov;10:120; Stark C et al. ERJ Open Res, 2022 Jan;8; Giri N et al. Br J Haematol, 2021 Jun;193:1238-1246; Ambry internal data). This amino acid position is highly conserved in available vertebrate species. In addition, this alteration is predicted to be deleterious by in silico analysis. Based on the majority of available evidence to date, this variant is likely to be pathogenic.

Women's Health and Genetics/Laboratory Corporation of America, LabCorp
Classification: Uncertain significance. Last evaluated: 2024-08-13. Review status: criteria provided, single submitter. Criteria: LabCorp Variant Classification Summary - May 2015. Collection method: clinical testing. Allele origin: germline.
Comment: Variant summary: TERT c.2768C>T (p.Pro923Leu) results in a non-conservative amino acid change located in the Reverse transcriptase domain of the encoded protein sequence. Five of five in-silico tools predict a damaging effect of the variant on protein function. The variant allele was found at a frequency of 4e-06 in 249260 control chromosomes. The available data on variant occurrences in the general population are insufficient to allow any conclusion about variant significance. c.2768C>T has been reported in the literature in individuals affected with TERT-Related Disorders (Gansner_2012, Stark_2022, Ferrer_2023). These report(s) do not provide unequivocal conclusions about association of the variant with TERT-Related Disorders. To our knowledge, no experimental evidence demonstrating an impact on protein function has been reported. The following publications have been ascertained in the context of this evaluation (PMID: 37665761, 22512499, 35083318). ClinVar contains an entry for this variant (Variation ID: 36950). Based on the evidence outlined above, the variant was classified as uncertain significance.

GeneDx
Classification: Uncertain significance. Last evaluated: 2023-11-14. Review status: criteria provided, single submitter. Criteria: GeneDx Variant Classification Process June 2021. Collection method: clinical testing. Allele origin: germline. Affected: yes.
Comment: Not observed at significant frequency in large population cohorts (gnomAD); In silico analysis supports that this missense variant has a deleterious effect on protein structure/function; Observed in patients with a personal and/or family history of a TERT-related disorder and shortened telomeres (PMID: 23618685, 29976374); This variant is associated with the following publications: (PMID: 26642856, 23618685, 22512499, 29976374, 33203829, 31256854, 25393420)

Genetic Services Laboratory, University of Chicago
Classification: Likely pathogenic. Last evaluated: 2020-02-24. Review status: criteria provided, single submitter. Criteria: ACMG Guidelines, 2015. Collection method: clinical testing. Allele origin: germline. Affected: yes.
Comment: This sequence change has been reported in the gnomAD database in one individual (dbSNP rs387907251). This patient was reported to have a family history consistent with TERT-related disorders, including pulmonary fibrosis, thrombocytopenia, and acute myeloid leukemia; however, affected relatives were not analyzed for this sequence change (PMID: 22512499). The p.Pro923Leu change affects a highly conserved amino acid residue located in a domain of the TERT protein that is known to be functional. The p.Pro923Leu substitution appears to be deleterious using several in-silico pathogenicity prediction tools (SIFT, PolyPhen2, Align GVGD, REVEL).

OMIM
Classification: Pathogenic for PULMONARY FIBROSIS AND/OR BONE MARROW FAILURE SYNDROME, TELOMERE-RELATED, 1. Last evaluated: 2012-04-19. Review status: no assertion criteria provided. Collection method: literature only. Allele origin: germline. Not counted in ClinVar's aggregate classification.

Literature cited by the submitters: PubMed 22512499 (cited by 4 submitters); PubMed 29976374 (cited by Labcorp Genetics (formerly Invitae), Labcorp); PubMed 35083318 (cited by 3 submitters); PubMed 37665761 (cited by Labcorp Genetics (formerly Invitae), Labcorp and Women's Health and Genetics/Laboratory Corporation of America, LabCorp); PubMed 25393420 (cited by Ambry Genetics); PubMed 33203829 (cited by Ambry Genetics); PubMed 34019708 (cited by Ambry Genetics).